The following is an entry in ClinVar:

NM_174936.4(PCSK9):c.1304T>A (p.Val435Glu)

Gene: PCSK9 (proprotein convertase subtilisin/kexin type 9; plus strand). Cytogenetic location: 1p32.3.
Variant type: single nucleotide variant.
Coding change: c.1304T>A on transcript NM_174936.4 (MANE Select); coding-DNA position 1304, T replaced by A.
Protein change: p.Val435Glu; replaces valine 435 with glutamic acid.
Molecular consequence: missense variant. On other transcripts: non-coding transcript variant (5), intron variant (2).
Genome position (GRCh38, 1-based): chr1:55,058,159, T>A. VCF-style: chr1-55058159-T-A. GRCh37 (hg19) VCF-style: chr1-55523832-T-A.
Other names: c.1427T>A, p.Val476Glu (NM_001407240.1); c.1304T>A, p.Val435Glu (NM_001407241.1); c.1307T>A, p.Val436Glu (NM_001407242.1); c.1247T>A, p.Val416Glu (NM_001407243.1); c.1112T>A, p.Val371Glu (NM_001407245.1); c.929T>A, p.Val310Glu (NM_001407246.1); c.1181-340T>A (NM_001407244.1); c.1180+645T>A (NM_001407247.1); short protein forms V310E, V371E, V416E, V435E, V436E, V476E.
Identifiers: ClinVar variation 3070468 (VCV003070468.1), dbSNP rs2523260166, ClinGen allele CA340477475.

ClinVar aggregate classification (germline): Uncertain significance (1 of 4 stars; one submission).

Conditions:
Hypercholesterolemia, autosomal dominant, 3 (FHCL3). Also called: PCSK9-Related Familial Hypercholesterolemia, Autosomal Dominant; Familial Hypercholesterolemia, Autosomal Dominant, 3; Familial hypercholesterolemia 3. Identifiers: MedGen C1863551, MONDO:0011369, OMIM 603776.

Submission:

All of Us Research Program, National Institutes of Health
Classification: Uncertain significance for Hypercholesterolemia, autosomal dominant, 3. Last evaluated: 2023-04-10. Review status: criteria provided, single submitter. Criteria: ACMG Guidelines, 2015. Collection method: clinical testing. Allele origin: germline. Inheritance: Autosomal dominant inheritance. Observed: 1 variant allele, 1 heterozygote.
Comment: This missense variant replaces valine with glutamic acid at codon 435 of the PCSK9 protein. Computational prediction suggests that this variant may not impact protein structure and function (internally defined REVEL score threshold <= 0.5, PMID: 27666373). To our knowledge, functional studies have not been reported for this variant. This variant has not been reported in individuals affected with PCSK9-related disorders in the literature. This variant has not been identified in the general population by the Genome Aggregation Database (gnomAD). The available evidence is insufficient to determine the role of this variant in disease conclusively. Therefore, this variant is classified as a Variant of Uncertain Significance.

This study involves interpretation of variants in research participants for the purpose of population health screening. Participant phenotype was not available at the time of variant classification. Additional details can be found in publication PMID: 35346344, PMCID: PMC8962531